The following is an entry in ClinVar:

NM_153460.4(IL17RC):c.79C>T (p.Pro27Ser)

Gene: IL17RC (interleukin 17 receptor C; plus strand). Cytogenetic location: 3p25.3.
Variant type: single nucleotide variant.
Coding change: c.79C>T on transcript NM_153460.4 (MANE Select); coding-DNA position 79, C replaced by T.
Protein change: p.Pro27Ser; replaces proline 27 with serine.
Molecular consequence: missense variant. On other transcripts: non-coding transcript variant (1).
Genome position (GRCh38, 1-based): chr3:9,917,394, C>T. VCF-style: chr3-9917394-C-T. GRCh37 (hg19) VCF-style: chr3-9959078-C-T.
Other names: c.79C>T, p.Pro27Ser (NM_001203263.2, NM_001203264.2, NM_001203265.2 and 6 more transcripts); short protein forms P27S.
Identifiers: ClinVar variation 4769817 (VCV004769817.1).
Genomic context (GRCh38, chr3:9,917,394, plus strand): 5'-TTGCTGTCCTTGGCACTGGGCCGAAGCCCAGTGGTCCTTTCTCTGGAGAGGCTTGTGGGG[C>T]CTCAGGACGCTACCCACTGCTCTCCGGTGAGTCTGGAACCCTGGGGAGACGAGGAAAGGC-3'
Protein context (NP_703190.2, residues 17-37): VVLSLERLVG[Pro27Ser]QDATHCSPGL

ClinVar aggregate classification (germline): Uncertain significance (1 of 4 stars; one submission).

Conditions:
Candidiasis, familial, 9 (CANDF9). Identifiers: Orphanet 1334, MedGen C4225324, MONDO:0014642, OMIM 616445.

gnomAD v4.1: 2 of 1,613,948 alleles (0.00012%); highest among the groups gnomAD compares: African/African-American, 0.0013%; no homozygotes.

Submission:

Labcorp Genetics (formerly Invitae), Labcorp
Classification: Uncertain significance for Candidiasis, familial, 9. Last evaluated: 2026-01-18. Review status: criteria provided, single submitter. Criteria: Invitae Variant Classification Sherloc (09022015). Collection method: clinical testing. Allele origin: germline.
Comment: This sequence change replaces proline, which is neutral and non-polar, with serine, which is neutral and polar, at codon 27 of the IL17RC protein (p.Pro27Ser). This variant is not present in population databases (gnomAD no frequency). This variant has not been reported in the literature in individuals affected with IL17RC-related conditions. An algorithm developed to predict the effect of missense changes on protein structure and function outputs the following: PolyPhen-2: "Possibly Damaging". The serine amino acid residue is found in multiple mammalian species, which suggests that this missense change does not adversely affect protein function. In summary, the available evidence is currently insufficient to determine the role of this variant in disease. Therefore, it has been classified as a Variant of Uncertain Significance.